The following is an entry in ClinVar:

NM_020937.4(FANCM):c.4391A>G (p.Glu1464Gly)

Gene: FANCM (FA complementation group M; plus strand). Cytogenetic location: 14q21.2.
Variant type: single nucleotide variant.
Coding change: c.4391A>G on transcript NM_020937.4 (MANE Select); coding-DNA position 4391, A replaced by G.
Protein change: p.Glu1464Gly; replaces glutamic acid 1464 with glycine.
Molecular consequence: missense variant.
Genome position (GRCh38, 1-based): chr14:45,183,778, A>G. VCF-style: chr14-45183778-A-G. GRCh37 (hg19) VCF-style: chr14-45652981-A-G.
Other names: c.4391A>G (NM_020937.2); c.4313A>G, p.Glu1438Gly (NM_001308133.2); short protein forms E1438G, E1464G.
Identifiers: ClinVar variation 1501229 (VCV001501229.9), dbSNP rs1889210004, ClinGen allele CA389607458.
Genomic context (GRCh38, chr14:45,183,778, plus strand): 5'-TTGTCTAGGAAGAAAATATTTTTTTCTTATGCAAGAATTTTGTCGAATTATTATAGTCAG[A>G]ATTATCATCTAGTGATGAGAGTGAGAATTTTCCCAAACCATGTTCACAATTAGAAGACTT-3'
Protein context (NP_065988.1, residues 1454-1474): KKRRFPINRS[Glu1464Gly]LSSSDESENF

ClinVar aggregate classification (germline): Uncertain significance. Review status: criteria provided, multiple submitters, no conflicts (2 of 4 stars). 2 submissions from 2 submitters: Uncertain significance (2). Last evaluated 2025-04-17.

Conditions:
Inborn genetic diseases. Identifiers: MedGen C0950123, MeSH D030342.
Fanconi anemia (FA). Also called: Fanconi's anemia. Identifiers: Orphanet 84, MedGen C0015625, MeSH D005199, MONDO:0019391.

Allele frequency attached by ClinVar (database versions not stated): TOPMed 0.00001.

Submissions (2):

Ambry Genetics
Classification: Uncertain significance for Inborn genetic diseases. Last evaluated: 2025-04-17. Review status: criteria provided, single submitter. Criteria: Ambry Variant Classification Scheme 2023. Collection method: clinical testing. Allele origin: germline.
Comment: The p.E1464G variant (also known as c.4391A>G), located in coding exon 17 of the FANCM gene, results from an A to G substitution at nucleotide position 4391. The glutamic acid at codon 1464 is replaced by glycine, an amino acid with similar properties. This amino acid position is conserved. In addition, this alteration is predicted to be tolerated by in silico analysis. Based on the available evidence, the clinical significance of this variant remains unclear.

Labcorp Genetics (formerly Invitae), Labcorp
Classification: Uncertain significance for Fanconi anemia. Last evaluated: 2022-03-08. Review status: criteria provided, single submitter. Criteria: Invitae Variant Classification Sherloc (09022015). Collection method: clinical testing. Allele origin: germline.
Comment: In summary, the available evidence is currently insufficient to determine the role of this variant in disease. Therefore, it has been classified as a Variant of Uncertain Significance. Algorithms developed to predict the effect of missense changes on protein structure and function are either unavailable or do not agree on the potential impact of this missense change (SIFT: "Deleterious"; PolyPhen-2: "Possibly Damaging"; Align-GVGD: "Class C0"). This variant has not been reported in the literature in individuals affected with FANCM-related conditions. This variant is not present in population databases (gnomAD no frequency). This sequence change replaces glutamic acid, which is acidic and polar, with glycine, which is neutral and non-polar, at codon 1464 of the FANCM protein (p.Glu1464Gly).